The following is an entry in ClinVar:

NM_000059.4(BRCA2):c.5644_5648del (p.Ser1882fs)

Gene: BRCA2 (BRCA2 DNA repair associated; plus strand). Cytogenetic location: 13q13.1.
Variant type: Deletion.
Coding change: c.5644_5648del on transcript NM_000059.4 (MANE Select); coding-DNA positions 5644 to 5648, 5 bases deleted (TCAAA; older notation c.5644_5648delTCAAA).
Protein change: p.Ser1882fs; shifts the reading frame from serine 1882.
Molecular consequence: frameshift variant. On other transcripts: intron variant (2), non-coding transcript variant (1).
Genome position (GRCh38, 1-based): chr13:32,339,999-32,340,003, TCAAA deleted; deleting any 5 consecutive bases within chr13:32,339,996-32,340,003 gives the same sequence; the c. name uses the placement nearest the transcript's 3' end. VCF-style (leftmost placement, unchanged base first): chr13-32339995-TAAATC-T. GRCh37 (hg19) VCF-style: chr13-32914132-TAAATC-T.
Other names: c.425-4559_425-4555del (NM_001406722.1); c.5644_5648del, p.Ser1882fs (NM_001406719.1, NM_001406720.1); c.1910-4559_1910-4555del (NM_001406721.1); short protein forms S1882fs.
Identifiers: ClinVar variation 2565979 (VCV002565979.4), dbSNP rs2548531380, ClinGen allele CA2580614688.

ClinVar aggregate classification (germline): Pathogenic. Review status: criteria provided, multiple submitters, no conflicts (2 of 4 stars). 3 submissions from 3 submitters: Pathogenic (3). Last evaluated 2024-07-16.

Conditions:
Hereditary cancer-predisposing syndrome. Also called: Neoplastic Syndromes, Hereditary; Hereditary Cancer Syndrome; Tumor predisposition; Hereditary neoplastic syndrome. Identifiers: Orphanet 140162, MedGen C0027672, MeSH D009386, MONDO:0015356.
Breast-ovarian cancer, familial, susceptibility to, 2 (BROVCA2). Also called: BRCA2 Hereditary Breast and Ovarian Cancer. Identifiers: Orphanet 145, MedGen C2675520, MONDO:0012933, OMIM 612555. Disease mechanism: loss of function.

Submissions (3):

Color Diagnostics, LLC DBA Color Health
Classification: Pathogenic for Hereditary cancer-predisposing syndrome. Last evaluated: 2024-07-16. Review status: criteria provided, single submitter. Criteria: ACMG Guidelines, 2015. Collection method: clinical testing. Allele origin: germline.
Comment: This variant deletes 5 nucleotides in exon 11 of the BRCA2 gene, creating a frameshift and premature translation stop signal. This variant is expected to result in an absent or non-functional protein product. To our knowledge, this variant has not been reported in individuals affected with BRCA2-related disorders in the literature. This variant has not been identified in the general population by the Genome Aggregation Database (gnomAD). Loss of BRCA2 function is a known mechanism of disease. Based on the available evidence, this variant is classified as Pathogenic.

All of Us Research Program, National Institutes of Health
Classification: Pathogenic for Breast-ovarian cancer, familial, susceptibility to, 2. Last evaluated: 2023-11-28. Review status: criteria provided, single submitter. Criteria: ACMG Guidelines, 2015. Collection method: clinical testing. Allele origin: germline. Inheritance: Autosomal dominant inheritance. Observed: 1 variant allele, 1 heterozygote.
Comment: This variant is predicted to result in loss of protein function through nonsense-mediated or protein truncation. Loss of function is an established mechanism of disease. This prediction has not been confirmed by functional studies. To date, this variant has not been reported in association with human disease in the medical literature. This variant is absent from or rare in large population databases, including the Genome Aggregation Database. Different frameshift causing variants in this exon have been previously reported in individual(s) with hereditary breast cancer and classified as pathogenic, which supports the functional importance of this exon.

This study involves interpretation of variants in research participants for the purpose of population health screening. Participant phenotype was not available at the time of variant classification. Additional details can be found in publication PMID: 35346344, PMCID: PMC8962531

Ambry Genetics
Classification: Pathogenic for Hereditary cancer-predisposing syndrome. Last evaluated: 2023-04-06. Review status: criteria provided, single submitter. Criteria: Ambry Variant Classification Scheme 2023. Collection method: clinical testing. Allele origin: germline.
Comment: The c.5644_5648delTCAAA pathogenic mutation, located in coding exon 10 of the BRCA2 gene, results from a deletion of 5 nucleotides at nucleotide positions 5644 to 5648, causing a translational frameshift with a predicted alternate stop codon (p.S1882Nfs*16). This variant is considered to be rare based on population cohorts in the Genome Aggregation Database (gnomAD). This alteration is expected to result in loss of function by premature protein truncation or nonsense-mediated mRNA decay. As such, this alteration is interpreted as a disease-causing mutation.